The following is an entry in ClinVar:

NM_057175.5(NAA15):c.1466C>G (p.Thr489Arg)

Gene: NAA15 (N-alpha-acetyltransferase 15, NatA auxiliary subunit; plus strand). Cytogenetic location: 4q31.1.
Variant type: single nucleotide variant.
Coding change: c.1466C>G on transcript NM_057175.5 (MANE Select); coding-DNA position 1466, C replaced by G.
Protein change: p.Thr489Arg; replaces threonine 489 with arginine.
Molecular consequence: missense variant.
Genome position (GRCh38, 1-based): chr4:139,360,555, C>G. VCF-style: chr4-139360555-C-G. GRCh37 (hg19) VCF-style: chr4-140281709-C-G.
Other names: c.1466C>G, p.Thr489Arg (NM_001410842.1, NM_025085.2); short protein forms T489R.
Identifiers: ClinVar variation 2280069 (VCV002280069.5), dbSNP rs2530418880, ClinGen allele CA358267758.

ClinVar aggregate classification (germline): Uncertain significance. Review status: criteria provided, multiple submitters, no conflicts (2 of 4 stars). 2 submissions from 2 submitters: Uncertain significance (2). Last evaluated 2023-08-11.

Conditions:
Inborn genetic diseases. Identifiers: MedGen C0950123, MeSH D030342.

Submissions (2):

GeneDx
Classification: Uncertain significance. Last evaluated: 2023-08-11. Review status: criteria provided, single submitter. Criteria: GeneDx Variant Classification Process June 2021. Collection method: clinical testing. Allele origin: germline. Affected: yes.
Comment: Not observed at significant frequency in large population cohorts (gnomAD); In silico analysis supports that this missense variant has a deleterious effect on protein structure/function; Has not been previously published as pathogenic or benign to our knowledge

Ambry Genetics
Classification: Uncertain significance for Inborn genetic diseases. Last evaluated: 2022-03-29. Review status: criteria provided, single submitter. Criteria: Ambry Variant Classification Scheme 2023. Collection method: clinical testing. Allele origin: germline.